The following is an entry in ClinVar:

ClinVar aggregate classification (germline): Uncertain significance (1 of 4 stars; one submission).

gnomAD v4.1: 1 of 1,613,788 alleles (0.000062%); highest among the groups gnomAD compares: Non-Finnish European, 0.000085%; no homozygotes.

Submission:

GeneDx
Classification: Uncertain significance. Last evaluated: 2023-07-14. Review status: criteria provided, single submitter. Criteria: GeneDx Variant Classification Process June 2021. Collection method: clinical testing. Allele origin: germline. Affected: yes.
Comment: Not observed at significant frequency in large population cohorts (gnomAD); In silico analysis supports that this missense variant does not alter protein structure/function; Has not been previously published as pathogenic or benign to our knowledge

NM_014991.6(WDFY3):c.9080G>C (p.Cys3027Ser)

Genes: WDFY3 (WD repeat and FYVE domain containing 3; minus strand), LOC126807101 (CDK7 strongly-dependent group 2 enhancer GRCh37_chr4:85612241-85613440; plus strand). Cytogenetic location: 4q21.23.
Variant type: single nucleotide variant.
Coding change: c.9080G>C on transcript NM_014991.6 (MANE Select); coding-DNA position 9080, G replaced by C.
Protein change: p.Cys3027Ser; replaces cysteine 3027 with serine.
Molecular consequence: missense variant.
Genome position (GRCh38, 1-based): chr4:84,691,755, C>G on the plus strand (G>C on the coding strand, the complement: WDFY3 is on the minus strand). VCF-style: chr4-84691755-C-G. GRCh37 (hg19) VCF-style: chr4-85612908-C-G.
Other names: short protein forms C3027S.
Identifiers: ClinVar variation 3361100 (VCV003361100.1).